The following is an entry in ClinVar:

NM_001943.5(DSG2):c.393T>C (p.Ala131=)

Gene: DSG2 (desmoglein 2; plus strand). Cytogenetic location: 18q12.1.
Variant type: single nucleotide variant.
Coding change: c.393T>C on transcript NM_001943.5 (MANE Select); coding-DNA position 393, T replaced by C.
Protein change: p.Ala131=; no amino-acid change (alanine 131 retained).
Molecular consequence: synonymous variant.
Genome position (GRCh38, 1-based): chr18:31,521,113, T>C. VCF-style: chr18-31521113-T-C. GRCh37 (hg19) VCF-style: chr18-29101076-T-C.
Identifiers: ClinVar variation 5041717 (VCV005041717.1).

ClinVar aggregate classification (germline): Likely benign (1 of 4 stars; one submission).

Submission:

CeGaT Center for Human Genetics Tuebingen
Classification: Likely benign. Last evaluated: 2026-09-01. Review status: criteria provided, single submitter. Criteria: CeGaT Center For Human Genetics Tuebingen Variant Classification Criteria Version 2. Collection method: clinical testing. Allele origin: germline. Affected: yes. Observed: 1 variant allele.
Comment: DSG2: PM2:Supporting, BP4, BP7